The following is an entry in ClinVar:

NM_006846.4(SPINK5):c.82-31A>G

Gene: SPINK5 (serine peptidase inhibitor Kazal type 5; plus strand). Cytogenetic location: 5q32.
Variant type: single nucleotide variant.
Coding change: c.82-31A>G on transcript NM_006846.4 (MANE Select); 31 bases into the intron before coding-DNA position 82, A replaced by G.
Molecular consequence: intron variant.
Genome position (GRCh38, 1-based): chr5:148,070,292, A>G. VCF-style: chr5-148070292-A-G. GRCh37 (hg19) VCF-style: chr5-147449855-A-G.
Other names: c.82-31A>G (NM_001127698.2, NM_001127699.2).
Identifiers: ClinVar variation 1239601 (VCV001239601.7), dbSNP rs1423001, ClinGen allele CA3495108.

ClinVar aggregate classification (germline): Benign. Review status: criteria provided, multiple submitters, no conflicts (2 of 4 stars). 3 submissions from 3 submitters: Benign (3). Last evaluated 2024-01-24.

Conditions:
Netherton syndrome (NETH). Also called: NETHERTON DISEASE; COMEL-NETHERTON SYNDROME; ERYTHRODERMA, ICHTHYOSIFORM, WITH HYPOTRICHOSIS AND HYPER-IgE. Identifiers: Orphanet 634, MedGen C5574950, MONDO:0009735, OMIM 256500.

Allele frequency attached by ClinVar (database versions not stated): gnomAD exomes 0.66223 and 0.73343; ESP Exome Variant Server 0.72330; ExAC 0.73001; gnomAD 0.74351 and 0.74778; TOPMed 0.76146; 1000 Genomes Project 30x 0.84088.
gnomAD v4.1: 1,079,572 of 1,608,598 alleles (67%); highest among the groups gnomAD compares: African/African-American, 93%; 370,338 homozygotes.

Submissions (3):

Unidad de Genómica Garrahan, Hospital de Pediatría Garrahan
Classification: Benign. Last evaluated: 2024-01-24. Review status: criteria provided, single submitter. Criteria: ACMG Guidelines, 2015. Collection method: clinical testing. Allele origin: germline. Affected: no. Observed: 83 variant alleles.
Comment: This variant is classified as Benign based on local population frequency. This variant was detected in 94% of patients studied by a panel of primary immunodeficiencies. Number of patients: 83. Only high quality variants are reported.

Genome-Nilou Lab
Classification: Benign for Netherton syndrome. Last evaluated: 2021-07-15. Review status: criteria provided, single submitter. Criteria: ACMG Guidelines, 2015. Collection method: clinical testing. Allele origin: germline. Affected: no.

GeneDx
Classification: Benign. Last evaluated: 2015-03-03. Review status: criteria provided, single submitter. Criteria: GeneDx Variant Classification Process June 2021. Collection method: clinical testing. Allele origin: germline. Affected: yes.